The following is an entry in ClinVar:

NM_000059.4(BRCA2):c.8954-24T>G

Gene: BRCA2 (BRCA2 DNA repair associated; plus strand). Cytogenetic location: 13q13.1.
Variant type: single nucleotide variant.
Coding change: c.8954-24T>G on transcript NM_000059.4 (MANE Select); 24 bases into the intron before coding-DNA position 8954, T replaced by G.
Molecular consequence: intron variant.
Genome position (GRCh38, 1-based): chr13:32,379,726, T>G. VCF-style: chr13-32379726-T-G. GRCh37 (hg19) VCF-style: chr13-32953863-T-G.
Other names: c.8954-75T>G (NM_001406720.1); c.8858-24T>G (NM_001406719.1); c.4022-24T>G (NM_001406721.1); c.2537-24T>G (NM_001406722.1).
Identifiers: ClinVar variation 2706258 (VCV002706258.3), dbSNP rs1243800429, ClinGen allele CA2697551785.

ClinVar aggregate classification (germline): Uncertain significance (1 of 4 stars; one submission).

Conditions:
Hereditary breast ovarian cancer syndrome. Also called: Hereditary breast and/or ovarian cancer syndrome; Hereditary breast and ovarian cancer syndrome (HBOC); Breast and ovarian cancer; Hereditary breast and ovarian cancer syndrome; Hereditary breast and ovarian cancer; BRCA1- and BRCA2-Associated Hereditary Breast and Ovarian Cancer. Identifiers: Orphanet 145, MedGen C0677776, MeSH D061325, MONDO:0003582. Disease mechanism: loss of function.

Submission:

Labcorp Genetics (formerly Invitae), Labcorp
Classification: Uncertain significance for Hereditary breast ovarian cancer syndrome. Last evaluated: 2024-01-08. Review status: criteria provided, single submitter. Criteria: Invitae Variant Classification Sherloc (09022015). Collection method: clinical testing. Allele origin: germline.
Comment: This sequence change falls in intron 22 of the BRCA2 gene. It does not directly change the encoded amino acid sequence of the BRCA2 protein. RNA analysis indicates that this variant induces altered splicing and may result in an absent or disrupted protein product. This variant is not present in population databases (gnomAD no frequency). This variant has not been reported in the literature in individuals affected with BRCA2-related conditions. Studies have shown that this variant results in activation of a cryptic splice site and introduces a premature termination codon (Invitae). The resulting mRNA is expected to undergo nonsense-mediated decay. In summary, the available evidence is currently insufficient to determine the role of this variant in disease. Therefore, it has been classified as a Variant of Uncertain Significance.